The following is an entry in ClinVar:

ClinVar aggregate classification (germline): Uncertain significance (1 of 4 stars; one submission).

Submission:

GeneDx
Classification: Uncertain significance. Last evaluated: 2024-05-30. Review status: criteria provided, single submitter. Criteria: GeneDx Variant Classification Process June 2021. Collection method: clinical testing. Allele origin: germline. Affected: yes.
Comment: Not observed at significant frequency in large population cohorts (gnomAD); In silico analysis indicates that this missense variant does not alter protein structure/function; Has not been previously published as pathogenic or benign to our knowledge

NM_025233.7(COASY):c.578G>A (p.Arg193His)

Gene: COASY (Coenzyme A synthase; plus strand). Cytogenetic location: 17q21.2.
Variant type: single nucleotide variant.
Coding change: c.578G>A on transcript NM_025233.7 (MANE Select); coding-DNA position 578, G replaced by A.
Protein change: p.Arg193His; replaces arginine 193 with histidine.
Molecular consequence: missense variant.
Genome position (GRCh38, 1-based): chr17:42,563,200, G>A. VCF-style: chr17-42563200-G-A. GRCh37 (hg19) VCF-style: chr17-40715218-G-A.
Other names: c.578G>A, p.Arg193His (NM_001042529.3); c.665G>A, p.Arg222His (NM_001042532.4); short protein forms R193H, R222H.
Identifiers: ClinVar variation 3383756 (VCV003383756.1).